The following is an entry in ClinVar:

NM_004453.4(ETFDH):c.523C>A (p.Arg175Ser)

Gene: ETFDH (electron transfer flavoprotein dehydrogenase; plus strand). Cytogenetic location: 4q32.1.
Variant type: single nucleotide variant.
Coding change: c.523C>A on transcript NM_004453.4 (MANE Select); coding-DNA position 523, C replaced by A.
Protein change: p.Arg175Ser; replaces arginine 175 with serine.
Molecular consequence: missense variant.
Genome position (GRCh38, 1-based): chr4:158,685,136, C>A. VCF-style: chr4-158685136-C-A. GRCh37 (hg19) VCF-style: chr4-159606288-C-A.
Other names: c.382C>A, p.Arg128Ser (NM_001281737.2); c.340C>A, p.Arg114Ser (NM_001281738.1); short protein forms R175S, R128S, R114S.
Identifiers: ClinVar variation 4526250 (VCV004526250.1).

ClinVar aggregate classification (germline): Uncertain significance (1 of 4 stars; one submission).

Submission:

Women's Health and Genetics/Laboratory Corporation of America, LabCorp
Classification: Uncertain significance. Last evaluated: 2025-07-23. Review status: criteria provided, single submitter. Criteria: LabCorp Variant Classification Summary - May 2015. Collection method: clinical testing. Allele origin: germline.
Comment: Variant summary: ETFDH c.523C>A (p.Arg175Ser) results in a non-conservative amino acid change in the encoded protein sequence. Algorithms developed to predict the effect of missense changes on protein structure and function all suggest that this variant is likely to be disruptive. The variant was absent in 251360 control chromosomes. The available data on variant occurrences in the general population are insufficient to allow any conclusion about variant significance. To our knowledge, no occurrence of c.523C>A in individuals affected with Glutaric Aciduria, Type 2c and no experimental evidence demonstrating its impact on protein function have been reported. No submitters have cited clinical-significance assessments for this variant to ClinVar. Based on the evidence outlined above, the variant was classified as uncertain significance.